The following is an entry in ClinVar:

NM_000452.3(SLC10A2):c.318C>A (p.Cys106Ter)

Gene: SLC10A2 (solute carrier family 10 member 2; minus strand). Cytogenetic location: 13q33.1.
Variant type: single nucleotide variant.
Coding change: c.318C>A on transcript NM_000452.3 (MANE Select); coding-DNA position 318, C replaced by A.
Protein change: p.Cys106Ter; replaces cysteine 106 with a stop codon.
Molecular consequence: nonsense.
Genome position (GRCh38, 1-based): chr13:103,065,932, G>T on the plus strand (C>A on the coding strand, the complement: SLC10A2 is on the minus strand). VCF-style: chr13-103065932-G-T. GRCh37 (hg19) VCF-style: chr13-103718282-G-T.
Other names: c.318C>A (NM_000452.2); short protein forms C106*.
Identifiers: ClinVar variation 1705528 (VCV001705528.8), dbSNP rs370438426, ClinGen allele CA7042282.

ClinVar aggregate classification (germline): Conflicting classifications of pathogenicity. Review status: criteria provided, conflicting classifications (1 of 4 stars). 4 submissions from 4 submitters: Pathogenic (1); Likely pathogenic (1); Uncertain significance (2). Last evaluated 2026-08-21.

Conditions:
SLC10A2-related disorder. Also called: SLC10A2-related condition.
Bile acid malabsorption, primary, 1 (PBAM1). Also called: Bile acid malabsorption, primary. Identifiers: MedGen C5561934, MONDO:0013214, OMIM 613291.

Allele frequency attached by ClinVar (database versions not stated): ExAC 0.00001; gnomAD exomes 0.00002; TOPMed 0.00002; gnomAD 0.00003; ESP Exome Variant Server 0.00008.
gnomAD v4.1: 43 of 1,614,174 alleles (0.0027%); highest among the groups gnomAD compares: Middle Eastern, 0.099%; no homozygotes.

Submissions (4):

PreventionGenetics, part of Exact Sciences
Classification: Uncertain significance for SLC10A2-related condition. Last evaluated: 2026-08-21. Review status: criteria provided, single submitter. Criteria: ACMG Guidelines, 2015. Collection method: clinical testing. Allele origin: germline.
Comment: The SLC10A2 c.318C>A variant is predicted to result in premature protein termination (p.Cys106*). This variant has been reported with a missense variant in SLC10A2 in an individual with primary bile acid malabsorption (Table 6. Al-Dewik et al. 2019. PubMed ID: 30919572). This variant is reported in 0.0040% of alleles in individuals of African descent in gnomAD. Loss of function has not been established as a disease mechanism for SLC10A2 associated disorders. Although we suspect that this variant may be pathogenic, at this time, the clinical significance of this variant is uncertain due to the absence of conclusive functional and genetic evidence.

Labcorp Genetics (formerly Invitae), Labcorp
Classification: Uncertain significance. Last evaluated: 2024-05-23. Review status: criteria provided, single submitter. Criteria: Invitae Variant Classification Sherloc (09022015). Collection method: clinical testing. Allele origin: germline.
Comment: This sequence change creates a premature translational stop signal (p.Cys106*) in the SLC10A2 gene. It is expected to result in an absent or disrupted protein product. However, the current clinical and genetic evidence is not sufficient to establish whether loss-of-function variants in SLC10A2 cause disease. This variant is present in population databases (rs370438426, gnomAD 0.004%). This premature translational stop signal has been observed in individual(s) with primary bile acid malabsorption (PMID: 30919572). ClinVar contains an entry for this variant (Variation ID: 1705528). In summary, the available evidence is currently insufficient to determine the role of this variant in disease. Therefore, it has been classified as a Variant of Uncertain Significance.

Genomic Medicine Center of Excellence, King Faisal Specialist Hospital and Research Centre
Classification: Likely pathogenic for Bile acid malabsorption, primary, 1. Last evaluated: 2024-03-25. Review status: criteria provided, single submitter. Criteria: ACMG Guidelines, 2015. Collection method: clinical testing. Allele origin: germline.

3billion
Classification: Pathogenic for Bile acid malabsorption, primary, 1. Last evaluated: 2022-09-01. Review status: criteria provided, single submitter. Criteria: ACMG Guidelines, 2015. Collection method: clinical testing. Allele origin: germline. Affected: yes. Observed: 1 heterozygote.
Comment: The variant is observed at an extremely low frequency in the gnomAD v2.1.1 dataset (total allele frequency: 0.002%). Stop-gained (nonsense) is predicted to result in a loss or disruption of normal protein function through nonsense-mediated decay (NMD) or protein truncation. Multiple pathogenic variants are reported downstream of the variant. The variant has been reported to be associated with SLC10A2-related disorder (PMID: 30919572). Therefore, this variant is classified as Pathogenic according to the recommendation of ACMG/AMP guideline.

Literature cited by the submitters: PubMed 30919572 (cited by Labcorp Genetics (formerly Invitae), Labcorp and 3billion).